The following is an entry in ClinVar:

ClinVar aggregate classification (germline): Benign/Likely benign. Review status: criteria provided, multiple submitters, no conflicts (2 of 4 stars). 9 submissions from 9 submitters: Benign (5); Likely benign (2). 2 of the submissions do not count toward it. Last evaluated 2026-02-01.

Conditions:
Polycystic liver disease 2 (PCLD2). Also called: Polycystic liver disease 2 with or without kidney cysts. Identifiers: Orphanet 2924, MedGen C4310769, MONDO:0014860, OMIM 617004.

Allele frequency attached by ClinVar (database versions not stated): 1000 Genomes Project 30x 0.00703; 1000 Genomes Project 0.00799; TOPMed 0.01612; gnomAD 0.01699 and 0.01749; ExAC 0.01784; ESP Exome Variant Server 0.01891.
gnomAD v4.1: 34,042 of 1,577,850 alleles (2.2%); highest among the groups gnomAD compares: Non-Finnish European, 2.6%; 454 homozygotes.

Submissions (9):

Labcorp Genetics (formerly Invitae), Labcorp
Classification: Benign. Last evaluated: 2026-02-01. Review status: criteria provided, single submitter. Criteria: Invitae Variant Classification Sherloc (09022015). Collection method: clinical testing. Allele origin: germline.

Mayo Clinic Laboratories, Mayo Clinic
Classification: Benign. Last evaluated: 2024-12-06. Review status: criteria provided, single submitter. Criteria: ACMG Guidelines, 2015. Collection method: clinical testing. Allele origin: germline. Observed: 7 variant alleles.
Comment: BS1, BS2, BP4

Blueprint Genetics
Classification: Benign. Last evaluated: 2024-11-26. Review status: criteria provided, single submitter. Criteria: ACMG Guidelines, 2015. Collection method: clinical testing. Allele origin: germline.

GeneDx
Classification: Likely benign. Last evaluated: 2020-11-16. Review status: criteria provided, single submitter. Criteria: GeneDx Variant Classification Process June 2021. Collection method: clinical testing. Allele origin: germline. Affected: yes.

Illumina Laboratory Services, Illumina
Classification: Benign for Polycystic liver disease 2. Last evaluated: 2018-01-12. Review status: criteria provided, single submitter. Criteria: ICSL Variant Classification Criteria 13 December 2019. Collection method: clinical testing. Allele origin: germline.
Comment: This variant was observed in the ICSL laboratory as part of a predisposition screen in an ostensibly healthy population. It had not been previously curated by ICSL or reported in the Human Gene Mutation Database (HGMD: prior to June 1st, 2018), and was therefore a candidate for classification through an automated scoring system. Utilizing variant allele frequency, disease prevalence and penetrance estimates, and inheritance mode, an automated score was calculated to assess if this variant is too frequent to cause the disease. Based on the score and internal cut-off values, a variant classified as benign is not then subjected to further curation. The score for this variant resulted in a classification of benign for this disease.

Breakthrough Genomics
Classification: Likely benign. Review status: criteria provided, single submitter. Criteria: ACMG Guidelines, 2015. Collection method: not provided. Allele origin: germline. Inheritance: Autosomal dominant inheritance. Affected: yes.

PreventionGenetics, part of Exact Sciences
Classification: Benign. Review status: criteria provided, single submitter. Criteria: ACMG Guidelines, 2015. Collection method: clinical testing. Allele origin: germline.

Genome Diagnostics Laboratory, University Medical Center Utrecht
Classification: Benign. Review status: no assertion criteria provided. Collection method: clinical testing. Allele origin: germline. Affected: yes. Study: VKGL Data-share Consensus. Not counted in ClinVar's aggregate classification.

Joint Genome Diagnostic Labs from Nijmegen and Maastricht, Radboudumc and MUMC+
Classification: Benign. Review status: no assertion criteria provided. Collection method: clinical testing. Allele origin: germline. Affected: yes. Study: VKGL Data-share Consensus. Not counted in ClinVar's aggregate classification.

NM_007214.5(SEC63):c.2027C>T (p.Thr676Ile)

Gene: SEC63 (SEC63 protein translocation regulator; minus strand). Cytogenetic location: 6q21.
Variant type: single nucleotide variant.
Coding change: c.2027C>T on transcript NM_007214.5 (MANE Select); coding-DNA position 2027, C replaced by T.
Protein change: p.Thr676Ile; replaces threonine 676 with isoleucine.
Molecular consequence: missense variant.
Genome position (GRCh38, 1-based): chr6:107,876,571, G>A on the plus strand (C>T on the coding strand, the complement: SEC63 is on the minus strand). VCF-style: chr6-107876571-G-A. GRCh37 (hg19) VCF-style: chr6-108197775-G-A.
Other names: p.Thr676Ile; short protein forms T676I.
Identifiers: ClinVar variation 260153 (VCV000260153.20), dbSNP rs61733388, ClinGen allele CA3947168.